The following is an entry in ClinVar:

ClinVar aggregate classification (germline): Conflicting classifications of pathogenicity. Review status: criteria provided, conflicting classifications (1 of 4 stars). 4 submissions from 4 submitters: Uncertain significance (3); Likely benign (1). Last evaluated 2025-12-29.

Conditions:
Symmetrical dyschromatosis of extremities (DSH). Also called: DYSCHROMATOSIS SYMMETRICA HEREDITARIA 1; RETICULATE ACROPIGMENTATION OF DOHI; SYMMETRIC DYSCHROMATOSIS OF THE EXTREMITIES; Dyschromatosis symmetrica hereditaria. Identifiers: Orphanet 41, MedGen C0406775, MONDO:0007483, OMIM 127400.
Aicardi-Goutieres syndrome 6 (AGS6). Identifiers: Orphanet 51, MedGen C3539013, MONDO:0014007, OMIM 615010.

Allele frequency attached by ClinVar (database versions not stated): TOPMed below 0.00001; gnomAD exomes 0.00001.
gnomAD v4.1: 8 of 1,614,096 alleles (0.0005%); highest among the groups gnomAD compares: Non-Finnish European, 0.00068%; no homozygotes.

Submissions (4):

Labcorp Genetics (formerly Invitae), Labcorp
Classification: Uncertain significance for Aicardi-Goutieres syndrome 6; Symmetrical dyschromatosis of extremities. Last evaluated: 2025-12-29. Review status: criteria provided, single submitter. Criteria: Invitae Variant Classification Sherloc (09022015). Collection method: clinical testing. Allele origin: germline.
Comment: This sequence change replaces serine, which is neutral and polar, with threonine, which is neutral and polar, at codon 397 of the ADAR protein (p.Ser397Thr). This variant is present in population databases (no rsID available, gnomAD 0.0009%). This variant has not been reported in the literature in individuals affected with ADAR-related conditions. ClinVar contains an entry for this variant (Variation ID: 874512). Invitae Evidence Modeling of protein sequence and biophysical properties (such as structural, functional, and spatial information, amino acid conservation, physicochemical variation, residue mobility, and thermodynamic stability) indicates that this missense variant is not expected to disrupt ADAR protein function with a negative predictive value of 80%. In summary, the available evidence is currently insufficient to determine the role of this variant in disease. Therefore, it has been classified as a Variant of Uncertain Significance.

CeGaT Center for Human Genetics Tuebingen
Classification: Likely benign. Last evaluated: 2023-10-01. Review status: criteria provided, single submitter. Criteria: CeGaT Center For Human Genetics Tuebingen Variant Classification Criteria Version 2. Collection method: clinical testing. Allele origin: germline. Affected: yes. Observed: 1 variant allele.
Comment: ADAR: BP4

Genome-Nilou Lab
Classification: Uncertain significance for Aicardi-Goutieres syndrome 6. Last evaluated: 2023-04-11. Review status: criteria provided, single submitter. Criteria: ACMG Guidelines, 2015. Collection method: clinical testing. Allele origin: germline. Affected: no.

Illumina Laboratory Services, Illumina
Classification: Uncertain significance for Symmetrical dyschromatosis of extremities. Last evaluated: 2018-01-12. Review status: criteria provided, single submitter. Criteria: ICSL Variant Classification Criteria 13 December 2019. Collection method: clinical testing. Allele origin: germline.

NM_001111.5(ADAR):c.1189T>A (p.Ser397Thr)

Gene: ADAR (adenosine deaminase RNA specific; minus strand). Cytogenetic location: 1q21.3.
Variant type: single nucleotide variant.
Coding change: c.1189T>A on transcript NM_001111.5 (MANE Select); coding-DNA position 1189, T replaced by A.
Protein change: p.Ser397Thr; replaces serine 397 with threonine.
Molecular consequence: missense variant.
Genome position (GRCh38, 1-based): chr1:154,601,453, A>T on the plus strand (T>A on the coding strand, the complement: ADAR is on the minus strand). VCF-style: chr1-154601453-A-T. GRCh37 (hg19) VCF-style: chr1-154573929-A-T.
Other names: c.304T>A, p.Ser102Thr (NM_001025107.3, NM_001193495.2, NM_001365046.1 and 3 more transcripts); c.1216T>A, p.Ser406Thr (NM_001365045.1); c.1189T>A, p.Ser397Thr (NM_015840.4, NM_015841.4); short protein forms S102T, S397T, S406T.
Identifiers: ClinVar variation 874512 (VCV000874512.36), dbSNP rs1190740301, ClinGen allele CA342597260.